The following is an entry in ClinVar:

NM_001040142.2(SCN2A):c.5817A>G (p.Glu1939=)

Gene: SCN2A (sodium voltage-gated channel alpha subunit 2; plus strand). Cytogenetic location: 2q24.3.
Variant type: single nucleotide variant.
Coding change: c.5817A>G on transcript NM_001040142.2 (MANE Select); coding-DNA position 5817, A replaced by G.
Protein change: p.Glu1939=; no amino-acid change (glutamic acid 1939 retained).
Molecular consequence: synonymous variant.
Genome position (GRCh38, 1-based): chr2:165,389,623, A>G. VCF-style: chr2-165389623-A-G. GRCh37 (hg19) VCF-style: chr2-166246133-A-G.
Other names: c.5817A>G, p.Glu1939= (NM_001040143.2, NM_001371246.1, NM_001371247.1 and 1 more transcripts).
Identifiers: ClinVar variation 378535 (VCV000378535.18), dbSNP rs780514937, ClinGen allele CA1940431.

ClinVar aggregate classification (germline): Benign/Likely benign. Review status: criteria provided, multiple submitters, no conflicts (2 of 4 stars). 5 submissions from 5 submitters: Benign (1); Likely benign (4). Last evaluated 2026-08-01.

Conditions:
Developmental and epileptic encephalopathy, 11 (DEE11). Also called: Early infantile epileptic encephalopathy 11. Identifiers: Orphanet 1934, MedGen C3150987, MONDO:0013388, OMIM 613721.
Seizures, benign familial infantile, 3 (BFIS3). Also called: CONVULSIONS, BENIGN FAMILIAL INFANTILE, 3; Familial neonatal seizures. Identifiers: Orphanet 140927, Orphanet 306, MedGen C1843140, MONDO:0011904, OMIM 607745.
Inborn genetic diseases. Identifiers: MedGen C0950123, MeSH D030342.

Allele frequency attached by ClinVar (database versions not stated): TOPMed 0.00001; gnomAD exomes 0.00003 and 0.00006; ExAC 0.00006.
gnomAD v4.1: 15 of 1,614,032 alleles (0.00093%); highest among the groups gnomAD compares: Admixed American, 0.025%; no homozygotes.

Submissions (5):

CeGaT Center for Human Genetics Tuebingen
Classification: Likely benign. Last evaluated: 2026-08-01. Review status: criteria provided, single submitter. Criteria: CeGaT Center For Human Genetics Tuebingen Variant Classification Criteria Version 2. Collection method: clinical testing. Allele origin: germline. Affected: yes. Observed: 1 variant allele.
Comment: SCN2A: BP4, BS1

Labcorp Genetics (formerly Invitae), Labcorp
Classification: Likely benign for Seizures, benign familial infantile, 3; Developmental and epileptic encephalopathy, 11. Last evaluated: 2025-05-22. Review status: criteria provided, single submitter. Criteria: Invitae Variant Classification Sherloc (09022015). Collection method: clinical testing. Allele origin: germline.

Blueprint Genetics
Classification: Likely benign. Last evaluated: 2022-04-12. Review status: criteria provided, single submitter. Criteria: ACMG Guidelines, 2015. Collection method: clinical testing. Allele origin: germline.

GeneDx
Classification: Likely benign. Last evaluated: 2021-01-05. Review status: criteria provided, single submitter. Criteria: GeneDx Variant Classification Process June 2021. Collection method: clinical testing. Allele origin: germline. Affected: yes.

Ambry Genetics
Classification: Benign for Inborn genetic diseases. Last evaluated: 2020-06-08. Review status: criteria provided, single submitter. Criteria: Ambry Variant Classification Scheme 2023. Collection method: clinical testing. Allele origin: germline.